The following is an entry in ClinVar:

ClinVar aggregate classification (germline): Likely pathogenic. Review status: criteria provided, multiple submitters, no conflicts (2 of 4 stars). 2 submissions from 2 submitters: Likely pathogenic (2). Last evaluated 2025-03-17.

Conditions:
NPHP4-related disorder. Also called: NPHP4-related condition; NPHP4-related disorders. Identifiers: MedGen CN239384.
Nephronophthisis 4 (NPHP4). Also called: NEPHRONOPHTHISIS 4, JUVENILE. Identifiers: Orphanet 655, MedGen C1847013, MONDO:0011752, OMIM 606966.

Submissions (2):

3billion
Classification: Likely pathogenic for Nephronophthisis 4. Last evaluated: 2025-03-17. Review status: criteria provided, single submitter. Criteria: ACMG Guidelines, 2015. Collection method: clinical testing. Allele origin: germline. Affected: yes.
Comment: The variant is not observed in the gnomAD v4.1.0 dataset. Predicted Consequence/Location: Frameshift: predicted to result in a loss or disruption of normal protein function through nonsense-mediated decay (NMD) or protein truncation. Multiple pathogenic variants are reported downstream of the variant. The variant has been reported as of uncertain significance (PMID: 31964843).Therefore, this variant is classified as VUS according to the recommendation of ACMG/AMP guideline.

PreventionGenetics, part of Exact Sciences
Classification: Likely pathogenic for NPHP4-related condition. Last evaluated: 2025-01-03. Review status: criteria provided, single submitter. Criteria: ACMG Guidelines, 2015. Collection method: clinical testing. Allele origin: germline.
Comment: The NPHP4 c.58_61delAGAG variant is predicted to result in a frameshift and premature protein termination (p.Arg22Serfs*20). This variant has been reported in the homozygous state in an individual with NPHP4-related retinal disease (Supplementary Table S1, Petzold et al. 2023. PubMed ID: 37230223). This variant is not present in a large population database (gnomAD), indicating this variant is rare. Frameshift variants in NPHP4 are expected to be pathogenic. This variant is interpreted as likely pathogenic.

NM_015102.5(NPHP4):c.58_61del (p.Arg22fs)

Gene: NPHP4 (nephrocystin 4; minus strand). Cytogenetic location: 1p36.31.
Variant type: Microsatellite.
Coding change: c.58_61del on transcript NM_015102.5 (MANE Select); coding-DNA positions 58 to 61, 4 bases deleted (AGAG; older notation c.58_61delAGAG).
Protein change: p.Arg22fs; shifts the reading frame from arginine 22.
Molecular consequence: frameshift variant. On other transcripts: 5 prime UTR variant (1), non-coding transcript variant (1), intron variant (1).
Genome position (GRCh38, 1-based): chr1:5,986,229-5,986,232, CTCT deleted on the plus strand (AGAG on the coding strand, the reverse complement: NPHP4 is on the minus strand); deleting any 4 consecutive bases within chr1:5,986,229-5,986,234 gives the same sequence; the c. name uses the placement nearest the transcript's 3' end. VCF-style (leftmost placement, unchanged base first): chr1-5986228-GCTCT-G. GRCh37 (hg19) VCF-style: chr1-6046288-GCTCT-G.
Other names: c.58_61delAGAG (NM_015102.4); c.-1174AG[1] (NM_001291593.2); c.-1088+6012_-1088+6015del (NM_001291594.2); short protein forms R22fs.
Identifiers: ClinVar variation 4291949 (VCV004291949.2).
Genomic context (GRCh38, chr1:5,986,228, plus strand): 5'-GGTCCGTCCAGCCACTTGAGGACACACTGGAATGCCGTGGATTCCTTCCAAGGCTGGCGC[GCTCT>G]CTGTGGGTGGGGAGGGACAAGCACGTTTTGGGTGAAGATCCTGTGCCAGTCGTTCATCCT-3'